The following is an entry in ClinVar:

ClinVar aggregate classification (germline): Uncertain significance (1 of 4 stars; one submission).

Allele frequency attached by ClinVar (database versions not stated): TOPMed below 0.00001; gnomAD 0.00001.
gnomAD v4.1: 3 of 1,613,000 alleles (0.00019%); highest among the groups gnomAD compares: Middle Eastern, 0.019%; no homozygotes.

Submission:

GeneDx
Classification: Uncertain significance. Last evaluated: 2024-01-17. Review status: criteria provided, single submitter. Criteria: GeneDx Variant Classification Process June 2021. Collection method: clinical testing. Allele origin: germline. Affected: yes.
Comment: Not observed at significant frequency in large population cohorts (gnomAD); In silico analysis supports that this missense variant does not alter protein structure/function; Has not been previously published as pathogenic or benign to our knowledge

NM_001367873.1(SOX6):c.871T>C (p.Phe291Leu)

Genes: SOX6 (SRY-box transcription factor 6; minus strand), LOC128772343 (melanoma risk locus-associated MPRA allelic enhancer 11:16133413; plus strand). Cytogenetic location: 11p15.2.
Variant type: single nucleotide variant.
Coding change: c.871T>C on transcript NM_001367873.1 (MANE Select); coding-DNA position 871, T replaced by C.
Protein change: p.Phe291Leu; replaces phenylalanine 291 with leucine.
Molecular consequence: missense variant.
Genome position (GRCh38, 1-based): chr11:16,111,830, A>G on the plus strand (T>C on the coding strand, the complement: SOX6 is on the minus strand). VCF-style: chr11-16111830-A-G. GRCh37 (hg19) VCF-style: chr11-16133376-A-G.
Other names: c.871T>C, p.Phe291Leu (NM_001145811.2, NM_001145819.2, NM_001367872.1 and 2 more transcripts); short protein forms F291L.
Identifiers: ClinVar variation 2446507 (VCV002446507.2), dbSNP rs1849237326, ClinGen allele CA379875404.